The following is an entry in ClinVar:

NM_001374353.1(GLI2):c.590G>A (p.Ser197Asn)

Gene: GLI2 (GLI family zinc finger 2; plus strand). Cytogenetic location: 2q14.2.
Variant type: single nucleotide variant.
Coding change: c.590G>A on transcript NM_001374353.1 (MANE Select); coding-DNA position 590, G replaced by A.
Protein change: p.Ser197Asn; replaces serine 197 with asparagine.
Molecular consequence: missense variant.
Genome position (GRCh38, 1-based): chr2:120,955,377, G>A. VCF-style: chr2-120955377-G-A. GRCh37 (hg19) VCF-style: chr2-121712953-G-A.
Other names: c.590G>A, p.Ser197Asn (NM_001371271.1, NM_005270.5); c.215G>A, p.Ser72Asn (NM_001374354.1); short protein forms S197N, S72N.
Identifiers: ClinVar variation 1698326 (VCV001698326.3), dbSNP rs556019545, ClinGen allele CA54414624.
Genomic context (GRCh38, chr2:120,955,377, plus strand): 5'-ACCACCAGATGACCCTCGTGGCAGGCCACCCCGCGCCCTACGGGGACCTGCTGATGCAGA[G>A]CGGGGGCGCTGCCAGCGCACCCCATCTCCACGACTACCTCAACCCCGTGGACGGTGAGTG-3'
Protein context (NP_001361282.1, residues 187-207): PAPYGDLLMQ[Ser197Asn]GGAASAPHLH

ClinVar aggregate classification (germline): Uncertain significance (1 of 4 stars; one submission).

Allele frequency attached by ClinVar (database versions not stated): gnomAD exomes below 0.00001; gnomAD 0.00001; TOPMed 0.00002.
gnomAD v4.1: 8 of 1,612,796 alleles (0.0005%); highest among the groups gnomAD compares: African/African-American, 0.0093%; no homozygotes.

Submission:

GeneDx
Classification: Uncertain significance. Last evaluated: 2022-11-03. Review status: criteria provided, single submitter. Criteria: GeneDx Variant Classification Process June 2021. Collection method: clinical testing. Allele origin: germline.
Comment: Not observed at significant frequency in large population cohorts (gnomAD); In silico analysis supports that this missense variant does not alter protein structure/function; Has not been previously published as pathogenic or benign to our knowledge